The following is an entry in ClinVar:

NM_024685.4(BBS10):c.197+1G>T

Gene: BBS10 (Bardet-Biedl syndrome 10; minus strand). Cytogenetic location: 12q21.2.
Variant type: single nucleotide variant.
Coding change: c.197+1G>T on transcript NM_024685.4 (MANE Select); the canonical splice donor site of the intron after coding-DNA position 197, G replaced by T.
Molecular consequence: splice donor variant.
Genome position (GRCh38, 1-based): chr12:76,348,161, C>A on the plus strand (G>T on the coding strand, the complement: BBS10 is on the minus strand). VCF-style: chr12-76348161-C-A. GRCh37 (hg19) VCF-style: chr12-76741941-C-A.
Identifiers: ClinVar variation 283884 (VCV000283884.22), dbSNP rs886042729, ClinGen allele CA10604614.
Genomic context (GRCh38, chr12:76,348,161, plus strand): 5'-AGAGCTCCACAGAGGCTGCCTGGGGTGCCCGGCTACGGGTTAGCGTGTGGGACGCGGGTA[C>A]CTGGCTATGGGATGCTCTAAGTGTAGCGCCTCCAGGAGGCGGCCTCCATTCCGGCTGAGA-3'

ClinVar aggregate classification (germline): Pathogenic/Likely pathogenic. Review status: criteria provided, multiple submitters, no conflicts (2 of 4 stars). 8 submissions from 8 submitters: Pathogenic (3); Likely pathogenic (4). 1 of the submissions does not count toward it. Last evaluated 2025-08-18.

Conditions:
Bardet-Biedl syndrome (BBS). Identifiers: Orphanet 110, MedGen C0752166, MONDO:0015229.
BBS10-related disorder. Also called: BBS10-related condition.
Bardet-Biedl syndrome 10 (BBS10). Identifiers: Orphanet 110, MedGen C1859568, MONDO:0014438, OMIM 615987.

Allele frequency attached by ClinVar (database versions not stated): gnomAD exomes below 0.00001.

Submissions (8):

Natera, Inc.
Classification: Likely pathogenic for Bardet-Biedl syndrome type 10. Last evaluated: 2025-08-18. Review status: criteria provided, single submitter. Criteria: Natera Variant Classification Schema (03/2026). Collection method: clinical testing. Allele origin: germline.
Comment: The c.197+1G>T variant in BBS10 is a canonical splice donor site variant predicted to affect pre-mRNA splicing, which may result in an abnormal transcript and altered protein product. This variant is expected to result in nonsense mediated decay, truncation, or a dysfunctional protein product. This variant is rare in the general population with a frequency below the threshold expected for the associated phenotype(s). Given the available evidence, this variant is classified as Likely Pathogenic.

Labcorp Genetics (formerly Invitae), Labcorp
Classification: Pathogenic for Bardet-Biedl syndrome. Last evaluated: 2024-07-01. Review status: criteria provided, single submitter. Criteria: Invitae Variant Classification Sherloc (09022015). Collection method: clinical testing. Allele origin: germline.
Comment: This sequence change affects a donor splice site in intron 1 of the BBS10 gene. While this variant is not anticipated to result in nonsense mediated decay, it likely alters RNA splicing and results in a disrupted protein product. This variant is not present in population databases (gnomAD no frequency). Disruption of this splice site has been observed in individual(s) with Bardet-Biedl syndrome (PMID: 21344540). ClinVar contains an entry for this variant (Variation ID: 283884). Variants that disrupt the consensus splice site are a relatively common cause of aberrant splicing (PMID: 17576681, 9536098). Algorithms developed to predict the effect of sequence changes on RNA splicing suggest that this variant may disrupt the consensus splice site. This variant disrupts a region of the BBS10 protein in which other variant(s) (p.Val707*) have been determined to be pathogenic (PMID: 20472660, 22773737, 25982971, 27486776). This suggests that this is a clinically significant region of the protein, and that variants that disrupt it are likely to be disease-causing. For these reasons, this variant has been classified as Pathogenic.

Blueprint Genetics
Classification: Pathogenic for BBS10-related disorders. Last evaluated: 2022-02-05. Review status: criteria provided, single submitter. Criteria: ACMG Guidelines, 2015. Collection method: clinical testing. Allele origin: germline. Affected: yes. Observed: 1 variant allele.

Revvity Omics, Revvity
Classification: Likely pathogenic for Bardet-Biedl syndrome 10. Last evaluated: 2021-12-31. Review status: criteria provided, single submitter. Criteria: ACMG Guidelines, 2015. Collection method: clinical testing. Allele origin: germline.

Fulgent Genetics
Classification: Likely pathogenic for Bardet-Biedl syndrome 10. Last evaluated: 2021-07-03. Review status: criteria provided, single submitter. Criteria: ACMG Guidelines, 2015. Collection method: clinical testing. Allele origin: unknown.

Women's Health and Genetics/Laboratory Corporation of America, LabCorp
Classification: Likely pathogenic for Bardet-Biedl syndrome 10. Last evaluated: 2019-02-28. Review status: criteria provided, single submitter. Criteria: LabCorp Variant Classification Summary - May 2015. Collection method: clinical testing. Allele origin: germline.
Comment: Variant summary: The variant, BBS10 c.197+1G>T is located in a canonical splice-site and is predicted to affect mRNA splicing resulting in a significantly altered protein due to either exon skipping, shortening, or inclusion of intronic material. Several computational tools predict a significant impact on normal splicing: Five predict the variant abolishes a 5' splicing donor site. However, these predictions have yet to be confirmed by functional studies. The variant was absent in 241132 control chromosomes (gnomAD) and has been reported in the literature in an individual affected with Bardet-Biedl Syndrome (Deveault_2011). To our knowledge, no experimental evidence demonstrating an impact on protein function has been reported. One clinical diagnostic laboratory has submitted clinical-significance assessments for this variant to ClinVar after 2014 without evidence for independent evaluation and classified the variant as pathogenic. Based on the evidence outlined above, the variant was classified as likely pathogenic.

Eurofins Ntd Llc (ga)
Classification: Pathogenic. Last evaluated: 2015-10-14. Review status: criteria provided, single submitter. Criteria: EGL Classification Definitions 2015. Collection method: clinical testing. Allele origin: germline. Observed: 1 variant allele, 1 homozygote.

Counsyl
Classification: Likely pathogenic for Bardet-Biedl syndrome 10. Last evaluated: 2015-03-02. Review status: no assertion criteria provided. Collection method: clinical testing. Allele origin: unknown. Not counted in ClinVar's aggregate classification.

Literature cited by the submitters: PubMed 21344540 (cited by 3 submitters); PubMed 17576681 (cited by Labcorp Genetics (formerly Invitae), Labcorp); PubMed 9536098 (cited by Labcorp Genetics (formerly Invitae), Labcorp); PubMed 20472660 (cited by Labcorp Genetics (formerly Invitae), Labcorp); PubMed 22773737 (cited by Labcorp Genetics (formerly Invitae), Labcorp); PubMed 25982971 (cited by Labcorp Genetics (formerly Invitae), Labcorp); PubMed 27486776 (cited by Labcorp Genetics (formerly Invitae), Labcorp).